The following is an entry in ClinVar:

NM_001142800.2(EYS):c.1387_1388insA (p.Val463fs)

Gene: EYS (EGF-like photoreceptor maintenance factor; minus strand). Cytogenetic location: 6q12.
Variant type: Insertion.
Coding change: c.1387_1388insA on transcript NM_001142800.2 (MANE Select); coding-DNA positions 1387 to 1388, A inserted.
Protein change: p.Val463fs; shifts the reading frame from valine 463.
Molecular consequence: frameshift variant.
Genome position: GRCh38 VCF-style: chr6-65353529-A-AT. GRCh37 (hg19) VCF-style: chr6-66063422-A-AT.
Other names: c.1387_1388insA, p.Val463fs (NM_001142801.2, NM_001292009.2, NM_198283.2); short protein forms V463fs.
Identifiers: ClinVar variation 1069227 (VCV001069227.7), dbSNP rs2150327232, ClinGen allele CA2499218495.

ClinVar aggregate classification (germline): Pathogenic (1 of 4 stars; one submission).

Submission:

Labcorp Genetics (formerly Invitae), Labcorp
Classification: Pathogenic. Last evaluated: 2020-01-08. Review status: criteria provided, single submitter. Criteria: Invitae Variant Classification Sherloc (09022015). Collection method: clinical testing. Allele origin: germline.
Comment: Loss-of-function variants in EYS are known to be pathogenic (PMID: 18836446, 20333770). For these reasons, this variant has been classified as Pathogenic. This variant has not been reported in the literature in individuals with EYS-related conditions. This variant is not present in population databases (ExAC no frequency). This sequence change creates a premature translational stop signal (p.Val463Aspfs*10) in the EYS gene. It is expected to result in an absent or disrupted protein product.

Literature cited by the submitters: PubMed 18836446; PubMed 20333770.